The following is an entry in ClinVar:

ClinVar aggregate classification (germline): Uncertain significance (1 of 4 stars; one submission).

gnomAD v4.1: 2 of 1,535,976 alleles (0.00013%); highest among the groups gnomAD compares: Non-Finnish European, 0.00018%; no homozygotes.

Submission:

GeneDx
Classification: Uncertain significance. Last evaluated: 2024-02-06. Review status: criteria provided, single submitter. Criteria: GeneDx Variant Classification Process June 2021. Collection method: clinical testing. Allele origin: germline. Affected: yes.
Comment: Not observed at significant frequency in large population cohorts (gnomAD); In silico analysis is inconclusive as to whether the variant alters gene splicing. In the absence of RNA/functional studies, the actual effect of this sequence change is unknown.; Has not been previously published as pathogenic or benign to our knowledge

NM_198503.5(KCNT2):c.1294+4A>C

Gene: KCNT2 (potassium sodium-activated channel subfamily T member 2; minus strand). Cytogenetic location: 1q31.3.
Variant type: single nucleotide variant.
Coding change: c.1294+4A>C on transcript NM_198503.5 (MANE Select); 4 bases into the intron after coding-DNA position 1294, A replaced by C.
Molecular consequence: intron variant.
Genome position (GRCh38, 1-based): chr1:196,398,559, T>G on the plus strand (A>C on the coding strand, the complement: KCNT2 is on the minus strand). VCF-style: chr1-196398559-T-G. GRCh37 (hg19) VCF-style: chr1-196367689-T-G.
Other names: c.1294+4A>C (NM_001287820.3, NM_001287819.3).
Identifiers: ClinVar variation 3368973 (VCV003368973.1).
Genomic context (GRCh38, chr1:196,398,559, plus strand): 5'-AACCCTTAAGCCACTATAGGAGTTTCAGGAAATTCAATGGATCTCATGCAAGATAAAAAC[T>G]TACCAGCAAATTTGATGTGAAATTTATTTTCAGGCTTTAATATCTGGACATACAAAGGAC-3'